The following is an entry in ClinVar:

ClinVar aggregate classification (germline): Uncertain significance. Review status: criteria provided, multiple submitters, no conflicts (2 of 4 stars). 2 submissions from 2 submitters: Uncertain significance (2). Last evaluated 2017-12-27.

Conditions:
Dilated cardiomyopathy 1G (CMD1G). Identifiers: Orphanet 154, MedGen C1858763, MONDO:0011400, OMIM 604145.
Autosomal recessive limb-girdle muscular dystrophy type 2J (LGMDR10). Also called: Limb-girdle muscular dystrophy, type 2J; MUSCULAR DYSTROPHY, LIMB-GIRDLE, AUTOSOMAL RECESSIVE 10. Identifiers: Orphanet 140922, MedGen C1837342, MONDO:0012127, OMIM 608807.

Allele frequency attached by ClinVar (database versions not stated): ExAC 0.00001; gnomAD 0.00001 and 0.00002; gnomAD exomes 0.00001 and 0.00002; TOPMed 0.00002; 1000 Genomes Project 0.00020; 1000 Genomes Project 30x 0.00031.
gnomAD v4.1: 12 of 1,599,068 alleles (0.00075%); highest among the groups gnomAD compares: Admixed American, 0.0053%; no homozygotes.

Submissions (2):

Labcorp Genetics (formerly Invitae), Labcorp
Classification: Uncertain significance for Dilated cardiomyopathy 1G; Autosomal recessive limb-girdle muscular dystrophy type 2J. Last evaluated: 2017-12-27. Review status: criteria provided, single submitter. Criteria: Invitae Variant Classification Sherloc (09022015). Collection method: clinical testing. Allele origin: germline.

Laboratory for Molecular Medicine, Mass General Brigham Personalized Medicine
Classification: Uncertain significance. Last evaluated: 2012-04-13. Review status: criteria provided, single submitter. Criteria: LMM Criteria. Collection method: clinical testing. Allele origin: germline. Observed: 1 variant allele.
Comment: The 30179-7T>C variant (TTN) has not been reported in the literature nor previou sly identified by our laboratory. This variant is located in the 3' splice regi on. Computational tools do not predict altered splicing; however, this informati on is not predictive enough to rule out pathogenicity. Additional information is needed to fully assess the clinical significance of this variant.

NM_001267550.2(TTN):c.33911-7T>C

Gene: TTN (titin; minus strand). Cytogenetic location: 2q31.2.
Variant type: single nucleotide variant.
Coding change: c.33911-7T>C on transcript NM_001267550.2 (MANE Select); 7 bases into the intron before coding-DNA position 33911, T replaced by C.
Molecular consequence: intron variant.
Genome position (GRCh38, 1-based): chr2:178,678,215, A>G on the plus strand (T>C on the coding strand, the complement: TTN is on the minus strand). VCF-style: chr2-178678215-A-G. GRCh37 (hg19) VCF-style: chr2-179542942-A-G.
Other names: c.13283-35898T>C (NM_003319.4); c.13859-35898T>C (NM_133437.4); c.13658-35898T>C (NM_133432.3); c.30179-7T>C (NM_133378.4); c.32960-7T>C (NM_001256850.1).
Identifiers: ClinVar variation 46896 (VCV000046896.7), dbSNP rs397517545, ClinGen allele CA139454.